The following is an entry in ClinVar:

GRCh37/hg19 17p13.3-13.2(chr17:526-3441645)x1

Genes: ABR (ABR activator of RhoGEF and GTPase; minus strand), ASPA (aspartoacylase; plus strand), BHLHA9 (basic helix-loop-helix family member a9; plus strand), CLUH (CLUH binding protein of NUMT mRNA; minus strand), CRK (CRK proto-oncogene, adaptor protein; minus strand) and 54 more. Cytogenetic location: 17p13.3-13.2.
Variant type: copy number loss.
Change: copy number 1 (one copy instead of two) of chr17:526-3,441,645 (3.44 Mb, GRCh37 coordinates, 1-based), cytogenetic band 17p13.3-13.2.
Identifiers: ClinVar variation 2685590 (VCV002685590.1).

ClinVar aggregate classification (germline): Pathogenic (1 of 4 stars; one submission).

Submission:

Quest Diagnostics Nichols Institute San Juan Capistrano
Classification: Pathogenic. Last evaluated: 2022-12-02. Review status: criteria provided, single submitter. Criteria: ACMG/ClinGen CNV Guidelines, 2019. Collection method: clinical testing. Allele origin: unknown.
Comment: This loss involves the entire PAFAH1B1 and YWHAE genes. Deletions of this region have been associated with Miller-Dieker lissencephaly syndrome (MDS; OMIM 247200, Dobyns et al. GeneReviews (2014) PMID: 20301752). Haploinsufficiency of PAFAH1B1 causes brain cortical malformations (LIS1-associated lissencephaly/subcortical band heterotopia) and associated clinical features (Rehm et al., N Engl J Med. 2015 Jun 4;372(23):2235-42. PMID: 26014595 HGNC:8574). Therefore, this copy number loss is classified as pathogenic.